The following is an entry in ClinVar:

NM_001035.3(RYR2):c.7969T>C (p.Tyr2657His)

Gene: RYR2 (ryanodine receptor 2; plus strand). Cytogenetic location: 1q43.
Variant type: single nucleotide variant.
Coding change: c.7969T>C on transcript NM_001035.3 (MANE Select); coding-DNA position 7969, T replaced by C.
Protein change: p.Tyr2657His; replaces tyrosine 2657 with histidine.
Molecular consequence: missense variant.
Genome position (GRCh38, 1-based): chr1:237,655,824, T>C. VCF-style: chr1-237655824-T-C. GRCh37 (hg19) VCF-style: chr1-237819124-T-C.
Other names: short protein forms Y2657H.
Identifiers: ClinVar variation 3069313 (VCV003069313.1), dbSNP rs376527336, ClinGen allele CA345400677.

ClinVar aggregate classification (germline): Uncertain significance (1 of 4 stars; one submission).

Conditions:
Catecholaminergic polymorphic ventricular tachycardia (CVPT). Also called: Catecholamine-induced polymorphic ventricular tachycardia. Identifiers: Orphanet 3286, MedGen C5574922, MONDO:0017990.

gnomAD v4.1: 3 of 1,583,496 alleles (0.00019%); highest among the groups gnomAD compares: Non-Finnish European, 0.00026%; no homozygotes.

Submission:

All of Us Research Program, National Institutes of Health
Classification: Uncertain significance for Catecholaminergic polymorphic ventricular tachycardia. Last evaluated: 2022-12-05. Review status: criteria provided, single submitter. Criteria: ACMG Guidelines, 2015. Collection method: clinical testing. Allele origin: germline. Inheritance: Autosomal dominant inheritance. Observed: 1 variant allele, 1 heterozygote.
Comment: This missense variant replaces tyrosine with histidine at codon 2657 of the RYR2 protein. Computational prediction suggests that this variant may have deleterious impact on protein structure and function (internally defined REVEL score threshold >= 0.7, PMID: 27666373). To our knowledge, functional studies have not been reported for this variant. This variant has not been reported in individuals affected with cardiovascular disorders in the literature. This variant has not been identified in the general population by the Genome Aggregation Database (gnomAD). The available evidence is insufficient to determine the role of this variant in disease conclusively. Therefore, this variant is classified as a Variant of Uncertain Significance.

This study involves interpretation of variants in research participants for the purpose of population health screening. Participant phenotype was not available at the time of variant classification. Additional details can be found in publication PMID: 35346344, PMCID: PMC8962531